The following is an entry in ClinVar:

NM_013436.5(NCKAP1):c.2438C>G (p.Ala813Gly)

Gene: NCKAP1 (NCK associated protein 1; minus strand). Cytogenetic location: 2q32.1.
Variant type: single nucleotide variant.
Coding change: c.2438C>G on transcript NM_013436.5 (MANE Select); coding-DNA position 2438, C replaced by G.
Protein change: p.Ala813Gly; replaces alanine 813 with glycine.
Molecular consequence: missense variant.
Genome position (GRCh38, 1-based): chr2:182,952,858, G>C on the plus strand (C>G on the coding strand, the complement: NCKAP1 is on the minus strand). VCF-style: chr2-182952858-G-C. GRCh37 (hg19) VCF-style: chr2-183817586-G-C.
Other names: c.2456C>G, p.Ala819Gly (NM_205842.3); short protein forms A813G, A819G.
Identifiers: ClinVar variation 1303102 (VCV001303102.2), dbSNP rs750663916, ClinGen allele CA349757287.
Genomic context (GRCh38, chr2:182,952,858, plus strand): 5'-ATGTCAGAATATTCCTCTGCATTGAATGTTAATTCATTTTCTGTAGGTAAGTTCACAAAC[G>C]CTTTCATTGCAGGAAAATATGCTATATGGCCATTGCTGACTTGTCGTAACAAAGTTTCCA-3'
Protein context (NP_038464.1, residues 803-823): GHIAYFPAMK[Ala813Gly]FVNLPTENEL

ClinVar aggregate classification (germline): Uncertain significance (1 of 4 stars; one submission).

Allele frequency attached by ClinVar (database versions not stated): gnomAD 0.00001.
gnomAD v4.1: 1 of 1,611,492 alleles (0.000062%); highest among the groups gnomAD compares: Non-Finnish European, 0.000085%; no homozygotes.

Submission:

GeneDx
Classification: Uncertain significance. Last evaluated: 2019-06-24. Review status: criteria provided, single submitter. Criteria: GeneDx Variant Classification Process June 2021. Collection method: clinical testing. Allele origin: germline. Affected: yes.
Comment: In silico analysis, which includes protein predictors and evolutionary conservation, supports a deleterious effect; Has not been previously published as pathogenic or benign to our knowledge; Variants in candidate genes are classified as variants of uncertain significance in accordance with ACMG guidelines (Richards et al., 2015)